The following is an entry in ClinVar:

ClinVar aggregate classification (germline): Likely benign (1 of 4 stars; one submission).

Allele frequency attached by ClinVar (database versions not stated): gnomAD 0.00016; TOPMed 0.00019; ESP Exome Variant Server 0.00031.
gnomAD v4.1: 340 of 1,613,774 alleles (0.021%); highest among the groups gnomAD compares: Middle Eastern, 0.033%; 1 homozygote.

Submission:

CeGaT Center for Human Genetics Tuebingen
Classification: Likely benign. Last evaluated: 2023-04-01. Review status: criteria provided, single submitter. Criteria: CeGaT Center For Human Genetics Tuebingen Variant Classification Criteria Version 2. Collection method: clinical testing. Allele origin: germline. Affected: yes. Observed: 1 variant allele.
Comment: ZBTB41: BP4, BP7

NM_194314.3(ZBTB41):c.2463G>A (p.Pro821=)

Gene: ZBTB41 (zinc finger and BTB domain containing 41; minus strand). Cytogenetic location: 1q31.3.
Variant type: single nucleotide variant.
Coding change: c.2463G>A on transcript NM_194314.3 (MANE Select); coding-DNA position 2463, G replaced by A.
Protein change: p.Pro821=; no amino-acid change (proline 821 retained).
Molecular consequence: synonymous variant. On other transcripts: non-coding transcript variant (1).
Genome position (GRCh38, 1-based): chr1:197,159,626, C>T on the plus strand (G>A on the coding strand, the complement: ZBTB41 is on the minus strand). VCF-style: chr1-197159626-C-T. GRCh37 (hg19) VCF-style: chr1-197128756-C-T.
Identifiers: ClinVar variation 2639710 (VCV002639710.24), dbSNP rs149802327, ClinGen allele CA1311065.